The following is an entry in ClinVar:

ClinVar aggregate classification (germline): Uncertain significance. Review status: criteria provided, multiple submitters, no conflicts (2 of 4 stars). 2 submissions from 2 submitters: Uncertain significance (2). Last evaluated 2025-09-10.

Conditions:
Developmental and epileptic encephalopathy, 90. Identifiers: MedGen C5542345, MONDO:0025353, OMIM 301058.

Submissions (2):

Genomic Medicine Center of Excellence, King Faisal Specialist Hospital and Research Centre
Classification: Uncertain significance for Developmental and epileptic encephalopathy, 90. Last evaluated: 2025-09-10. Review status: criteria provided, single submitter. Criteria: ACMG Guidelines, 2015. Collection method: clinical testing. Allele origin: germline.

GeneDx
Classification: Uncertain significance. Last evaluated: 2022-08-29. Review status: criteria provided, single submitter. Criteria: GeneDx Variant Classification Process June 2021. Collection method: clinical testing. Allele origin: germline. Affected: yes.
Comment: Not observed at significant frequency in large population cohorts (gnomAD); In silico analysis supports that this missense variant has a deleterious effect on protein structure/function; Has not been previously published as pathogenic or benign to our knowledge

NM_004114.5(FGF13):c.289A>G (p.Ser97Gly)

Gene: FGF13 (fibroblast growth factor 13; minus strand). Cytogenetic location: Xq26.3.
Variant type: single nucleotide variant.
Coding change: c.289A>G on transcript NM_004114.5 (MANE Select); coding-DNA position 289, A replaced by G.
Protein change: p.Ser97Gly; replaces serine 97 with glycine.
Molecular consequence: missense variant.
Genome position (GRCh38, 1-based): chrX:138,708,827, T>C on the plus strand (A>G on the coding strand, the complement: FGF13 is on the minus strand). VCF-style: chrX-138708827-T-C. GRCh37 (hg19) VCF-style: chrX-137790989-T-C.
Other names: c.151A>G, p.Ser51Gly (NM_001139498.2); c.319A>G, p.Ser107Gly (NM_001139500.2); c.232A>G, p.Ser78Gly (NM_001139501.2, NM_001139502.2); c.130A>G, p.Ser44Gly (NM_033642.3); short protein forms S107G, S44G, S51G, S78G, S97G.
Identifiers: ClinVar variation 2442774 (VCV002442774.2), dbSNP rs2520966795, ClinGen allele CA414462728.